The following is an entry in ClinVar:

NM_002715.4(PPP2CA):c.164G>T (p.Cys55Phe)

Gene: PPP2CA (protein phosphatase 2 catalytic subunit alpha; minus strand). Cytogenetic location: 5q31.1.
Variant type: single nucleotide variant.
Coding change: c.164G>T on transcript NM_002715.4 (MANE Select); coding-DNA position 164, G replaced by T.
Protein change: p.Cys55Phe; replaces cysteine 55 with phenylalanine.
Molecular consequence: missense variant. On other transcripts: 5 prime UTR variant (1), non-coding transcript variant (1).
Genome position (GRCh38, 1-based): chr5:134,206,070, C>A on the plus strand (G>T on the coding strand, the complement: PPP2CA is on the minus strand). VCF-style: chr5-134206070-C-A. GRCh37 (hg19) VCF-style: chr5-133541761-C-A.
Other names: c.-32G>T (NM_001355019.2); short protein forms C55F.
Identifiers: ClinVar variation 1409655 (VCV001409655.6), dbSNP rs2149384599, ClinGen allele CA360994243.

ClinVar aggregate classification (germline): Likely pathogenic (1 of 4 stars; one submission).

Submission:

Labcorp Genetics (formerly Invitae), Labcorp
Classification: Likely pathogenic. Last evaluated: 2022-10-25. Review status: criteria provided, single submitter. Criteria: Invitae Variant Classification Sherloc (09022015). Collection method: clinical testing. Allele origin: germline.
Comment: This sequence change replaces cysteine, which is neutral and slightly polar, with phenylalanine, which is neutral and non-polar, at codon 55 of the PPP2CA protein (p.Cys55Phe). This variant is not present in population databases (gnomAD no frequency). This missense change has been observed in individual(s) with PPP2CA-related conditions (Invitae). In at least one individual the variant was observed to be de novo. ClinVar contains an entry for this variant (Variation ID: 1409655). Advanced modeling of protein sequence and biophysical properties (such as structural, functional, and spatial information, amino acid conservation, physicochemical variation, residue mobility, and thermodynamic stability) performed at Invitae indicates that this missense variant is not expected to disrupt PPP2CA protein function. In summary, the currently available evidence indicates that the variant is pathogenic, but additional data are needed to prove that conclusively. Therefore, this variant has been classified as Likely Pathogenic.